The following is an entry in ClinVar:

NM_000276.4(OCRL):c.1370G>A (p.Arg457His)

Gene: OCRL (OCRL inositol polyphosphate-5-phosphatase; plus strand). Cytogenetic location: Xq26.1.
Variant type: single nucleotide variant.
Coding change: c.1370G>A on transcript NM_000276.4 (MANE Select); coding-DNA position 1370, G replaced by A.
Protein change: p.Arg457His; replaces arginine 457 with histidine.
Molecular consequence: missense variant.
Genome position (GRCh38, 1-based): chrX:129,567,267, G>A. VCF-style: chrX-129567267-G-A. GRCh37 (hg19) VCF-style: chrX-128701244-G-A.
Other names: c.1373G>A, p.Arg458His (NM_001318784.2); c.1370G>A, p.Arg457His (NM_001587.4); short protein forms R457H, R458H.
Identifiers: ClinVar variation 3203956 (VCV003203956.2), dbSNP rs1602791150, ClinGen allele CA414615503.

ClinVar aggregate classification (germline): Uncertain significance. Review status: criteria provided, multiple submitters, no conflicts (2 of 4 stars). 2 submissions from 2 submitters: Uncertain significance (2). Last evaluated 2023-11-20.

Conditions:
Nephrolithiasis/nephrocalcinosis. Identifiers: MedGen CN580796.
Lowe syndrome (OCRL). Also called: LOWE OCULOCEREBRORENAL SYNDROME; PHOSPHATIDYLINOSITOL 4,5-BISPHOSPHATE 5-PHOSPHATASE DEFICIENCY; Oculocerebrorenal Syndrome. Identifiers: Orphanet 534, MedGen C0028860, MONDO:0010645, OMIM 309000.

Allele frequency attached by ClinVar (database versions not stated): gnomAD exomes below 0.00001; TOPMed below 0.00001.

Submissions (2):

Ambry Genetics
Classification: Uncertain significance for Nephrolithiasis/nephrocalcinosis. Last evaluated: 2023-11-20. Review status: criteria provided, single submitter. Criteria: Ambry Variant Classification Scheme 2023. Collection method: clinical testing. Allele origin: germline.
Comment: The c.1370G>A (p.R457H) alteration is located in exon 14 (coding exon 14) of the OCRL gene. This alteration results from a G to A substitution at nucleotide position 1370, causing the arginine (R) at amino acid position 457 to be replaced by a histidine (H). This variant was not reported in population-based cohorts in the Genome Aggregation Database (gnomAD). This amino acid position is highly conserved in available vertebrate species. This missense alteration is located in a region that has a low rate of benign missense variation (Lek, 2016; Firth, 2009). The in silico prediction for this alteration is inconclusive. Based on insufficient or conflicting evidence, the clinical significance of this alteration remains unclear.

MVZ Medizinische Genetik Mainz
Classification: Uncertain significance for Lowe syndrome. Last evaluated: 2023-01-17. Review status: criteria provided, single submitter. Criteria: UK Practice Guidelines For Variant Classification V4 01 2020. Collection method: clinical testing. Allele origin: germline. Inheritance: X-linked dominant inheritance. Affected: yes. Observed: 1 variant allele.
Comment: ACMG Criteria: PM2_SUP, PM5, PP2, PP3